The following is an entry in ClinVar:

ClinVar aggregate classification (germline): Uncertain significance (1 of 4 stars; one submission).

Conditions:
Duchenne muscular dystrophy (DMD). Also called: MUSCULAR DYSTROPHY, PSEUDOHYPERTROPHIC PROGRESSIVE, DUCHENNE TYPE; Duchenne Muscular Dystrophy (DMD). Identifiers: Orphanet 98896, MedGen C0013264, MONDO:0010679, OMIM 310200.

Submission:

Labcorp Genetics (formerly Invitae), Labcorp
Classification: Uncertain significance for Duchenne muscular dystrophy. Last evaluated: 2021-03-25. Review status: criteria provided, single submitter. Criteria: Invitae Variant Classification Sherloc (09022015). Collection method: clinical testing. Allele origin: germline.
Comment: This sequence change falls in intron 41 of the DMD gene. It does not directly change the encoded amino acid sequence of the DMD protein. It affects a nucleotide within the consensus splice site of the intron. This variant is not present in population databases (ExAC no frequency). This variant has not been reported in the literature in individuals with DMD-related conditions. Nucleotide substitutions within the consensus splice site are a relatively common cause of aberrant splicing (PMID: 17576681, 9536098). Algorithms developed to predict the effect of sequence changes on RNA splicing suggest that this variant may disrupt the consensus splice site, but this prediction has not been confirmed by published transcriptional studies. In summary, the available evidence is currently insufficient to determine the role of this variant in disease. Therefore, it has been classified as a Variant of Uncertain Significance.

Literature cited by the submitters: PubMed 17576681; PubMed 9536098.

NM_004006.3(DMD):c.5922+5G>A

Gene: DMD (dystrophin; minus strand). Cytogenetic location: Xp21.1.
Variant type: single nucleotide variant.
Coding change: c.5922+5G>A on transcript NM_004006.3 (MANE Select); 5 bases into the intron after coding-DNA position 5922, G replaced by A.
Molecular consequence: intron variant.
Genome position (GRCh38, 1-based): chrX:32,342,095, C>T on the plus strand (G>A on the coding strand, the complement: DMD is on the minus strand). VCF-style: chrX-32342095-C-T. GRCh37 (hg19) VCF-style: chrX-32360212-C-T.
Other names: c.5898+5G>A (NM_000109.4); c.1899+5G>A (NM_004011.4); c.1890+5G>A (NM_004012.4); c.5910+5G>A (NM_004009.3); c.5553+5G>A (NM_004010.3).
Identifiers: ClinVar variation 1519493 (VCV001519493.3), dbSNP rs1603631217, ClinGen allele CA2573158780.